The following is an entry in ClinVar:

NM_006015.6(ARID1A):c.4309G>T (p.Ala1437Ser)

Gene: ARID1A (AT-rich interaction domain 1A; plus strand). Cytogenetic location: 1p36.11.
Variant type: single nucleotide variant.
Coding change: c.4309G>T on transcript NM_006015.6 (MANE Select); coding-DNA position 4309, G replaced by T.
Protein change: p.Ala1437Ser; replaces alanine 1437 with serine.
Molecular consequence: missense variant. On other transcripts: intron variant (1).
Genome position (GRCh38, 1-based): chr1:26,774,536, G>T. VCF-style: chr1-26774536-G-T. GRCh37 (hg19) VCF-style: chr1-27101027-G-T.
Other names: c.4102-444G>T (NM_139135.4); short protein forms A1437S.
Identifiers: ClinVar variation 3673463 (VCV003673463.2).

ClinVar aggregate classification (germline): Uncertain significance (1 of 4 stars; one submission).

gnomAD v4.1: 6 of 1,614,090 alleles (0.00037%); highest among the groups gnomAD compares: Non-Finnish European, 0.00051%; no homozygotes.

Submission:

Labcorp Genetics (formerly Invitae), Labcorp
Classification: Uncertain significance. Last evaluated: 2024-10-20. Review status: criteria provided, single submitter. Criteria: Invitae Variant Classification Sherloc (09022015). Collection method: clinical testing. Allele origin: germline.
Comment: This sequence change replaces alanine, which is neutral and non-polar, with serine, which is neutral and polar, at codon 1437 of the ARID1A protein (p.Ala1437Ser). This variant is not present in population databases (gnomAD no frequency). This variant has not been reported in the literature in individuals affected with ARID1A-related conditions. Invitae Evidence Modeling of protein sequence and biophysical properties (such as structural, functional, and spatial information, amino acid conservation, physicochemical variation, residue mobility, and thermodynamic stability) indicates that this missense variant is not expected to disrupt ARID1A protein function with a negative predictive value of 95%. In summary, the available evidence is currently insufficient to determine the role of this variant in disease. Therefore, it has been classified as a Variant of Uncertain Significance.